The following is an entry in ClinVar:

NM_015512.5(DNAH1):c.12191C>A (p.Ala4064Asp)

Gene: DNAH1 (dynein axonemal heavy chain 1; plus strand). Cytogenetic location: 3p21.1.
Variant type: single nucleotide variant.
Coding change: c.12191C>A on transcript NM_015512.5 (MANE Select); coding-DNA position 12191, C replaced by A.
Protein change: p.Ala4064Asp; replaces alanine 4064 with aspartic acid.
Molecular consequence: missense variant.
Genome position (GRCh38, 1-based): chr3:52,398,951, C>A. VCF-style: chr3-52398951-C-A. GRCh37 (hg19) VCF-style: chr3-52432967-C-A.
Other names: c.12191C>A (NM_015512.4); short protein forms A4064D.
Identifiers: ClinVar variation 1036250 (VCV001036250.6), dbSNP rs891517506, ClinGen allele CA74738200.

ClinVar aggregate classification (germline): Uncertain significance. Review status: criteria provided, multiple submitters, no conflicts (2 of 4 stars). 3 submissions from 3 submitters: Uncertain significance (3). Last evaluated 2025-07-10.

Conditions:
Spermatogenic failure 18. Identifiers: MedGen C4539783, MONDO:0054615, OMIM 617576.
Ciliary dyskinesia, primary, 37 (CILD37). Also called: CILIARY DYSKINESIA, PRIMARY, 37, WITH OR WITHOUT SITUS INVERSUS. Identifiers: MedGen C4539798, MONDO:0033204, OMIM 617577.

Allele frequency attached by ClinVar (database versions not stated): gnomAD exomes 0.00001; gnomAD 0.00004 and 0.00003; TOPMed 0.00002.
gnomAD v4.1: 25 of 1,613,566 alleles (0.0015%); highest among the groups gnomAD compares: Admixed American, 0.0083%; no homozygotes.

Submissions (3):

GeneDx
Classification: Uncertain significance. Last evaluated: 2025-07-10. Review status: criteria provided, single submitter. Criteria: GeneDx Variant Classification Process June 2021. Collection method: clinical testing. Allele origin: germline. Affected: yes.
Comment: In silico analysis suggests that this missense variant does not alter protein structure/function; Has not been previously published as pathogenic or benign to our knowledge

Ambry Genetics
Classification: Uncertain significance. Last evaluated: 2024-10-25. Review status: criteria provided, single submitter. Criteria: Ambry Variant Classification Scheme 2023. Collection method: clinical testing. Allele origin: germline.

Labcorp Genetics (formerly Invitae), Labcorp
Classification: Uncertain significance for Ciliary dyskinesia, primary, 37; Spermatogenic failure 18. Last evaluated: 2022-06-27. Review status: criteria provided, single submitter. Criteria: Invitae Variant Classification Sherloc (09022015). Collection method: clinical testing. Allele origin: germline.
Comment: This sequence change replaces alanine, which is neutral and non-polar, with aspartic acid, which is acidic and polar, at codon 4064 of the DNAH1 protein (p.Ala4064Asp). This variant is present in population databases (no rsID available, gnomAD 0.006%). This variant has not been reported in the literature in individuals affected with DNAH1-related conditions. ClinVar contains an entry for this variant (Variation ID: 1036250). Algorithms developed to predict the effect of missense changes on protein structure and function (SIFT, PolyPhen-2, Align-GVGD) all suggest that this variant is likely to be tolerated. In summary, the available evidence is currently insufficient to determine the role of this variant in disease. Therefore, it has been classified as a Variant of Uncertain Significance.